The following is an entry in ClinVar:

NM_000660.7(TGFB1):c.1030A>T (p.Asn344Tyr)

Gene: TGFB1 (transforming growth factor beta 1; minus strand). Cytogenetic location: 19q13.2.
Variant type: single nucleotide variant.
Coding change: c.1030A>T on transcript NM_000660.7 (MANE Select); coding-DNA position 1030, A replaced by T.
Protein change: p.Asn344Tyr; replaces asparagine 344 with tyrosine.
Molecular consequence: missense variant.
Genome position (GRCh38, 1-based): chr19:41,331,195, T>A on the plus strand (A>T on the coding strand, the complement: TGFB1 is on the minus strand). VCF-style: chr19-41331195-T-A. GRCh37 (hg19) VCF-style: chr19-41837100-T-A.
Other names: short protein forms N344Y.
Identifiers: ClinVar variation 3361715 (VCV003361715.2).
Genomic context (GRCh38, chr19:41,331,195, plus strand): 5'-GCGGCTCCAGCGCCTGCGGCACGCAGCACGGCGCCGCCGAGGCGCCCGGGTTATGCTGGT[T>A]GTACAGGGCCAGGACCTGCGGGCGGCGGGCGGGGTCAGGGCTCAGGGCTCGTGGAGGGAG-3'
Protein context (NP_000651.3, residues 334-354): TQYSKVLALY[Asn344Tyr]QHNPGASAAP

ClinVar aggregate classification (germline): Uncertain significance (1 of 4 stars; one submission).

Submission:

GeneDx
Classification: Uncertain significance. Last evaluated: 2025-12-16. Review status: criteria provided, single submitter. Criteria: GeneDx Variant Classification Process June 2021. Collection method: clinical testing. Allele origin: germline.
Comment: Not observed at significant frequency in large population cohorts (gnomAD); In silico analysis supports that this missense variant has a deleterious effect on protein structure/function; Has not been previously published as pathogenic or benign to our knowledge